The following is an entry in ClinVar:

ClinVar aggregate classification (germline): Uncertain significance (1 of 4 stars; one submission).

Conditions:
Myopathy, proximal, and ophthalmoplegia (CMYO6). Also called: CONGENITAL MYOPATHY 6 WITH OPHTHALMOPLEGIA; INCLUSION BODY MYOPATHY 3, AUTOSOMAL DOMINANT; MYOPATHY WITH CONGENITAL JOINT CONTRACTURES, OPHTHALMOPLEGIA, AND RIMMED VACUOLES. Identifiers: Orphanet 363677, Orphanet 79091, MedGen C1854106, MONDO:0011577, OMIM 605637.

Allele frequency attached by ClinVar (database versions not stated): gnomAD 0.00001; ExAC 0.00002; 1000 Genomes Project 30x 0.00016; 1000 Genomes Project 0.00020.
gnomAD v4.1: 3 of 1,613,940 alleles (0.00019%); highest among the groups gnomAD compares: Admixed American, 0.005%; no homozygotes.

Submission:

Labcorp Genetics (formerly Invitae), Labcorp
Classification: Uncertain significance for Myopathy, proximal, and ophthalmoplegia. Last evaluated: 2024-12-02. Review status: criteria provided, single submitter. Criteria: Invitae Variant Classification Sherloc (09022015). Collection method: clinical testing. Allele origin: germline.
Comment: This sequence change replaces serine, which is neutral and polar, with alanine, which is neutral and non-polar, at codon 157 of the MYH2 protein (p.Ser157Ala). This variant is present in population databases (rs141907243, gnomAD 0.006%). This variant has not been reported in the literature in individuals affected with MYH2-related conditions. ClinVar contains an entry for this variant (Variation ID: 2039898). An algorithm developed to predict the effect of missense changes on protein structure and function (PolyPhen-2) suggests that this variant is likely to be tolerated. In summary, the available evidence is currently insufficient to determine the role of this variant in disease. Therefore, it has been classified as a Variant of Uncertain Significance.

NM_017534.6(MYH2):c.469T>G (p.Ser157Ala)

Genes: MYH2 (myosin heavy chain 2; minus strand), MYHAS (myosin heavy chain gene cluster antisense RNA; plus strand). Cytogenetic location: 17p13.1.
Variant type: single nucleotide variant.
Coding change: c.469T>G on transcript NM_017534.6 (MANE Select); coding-DNA position 469, T replaced by G.
Protein change: p.Ser157Ala; replaces serine 157 with alanine.
Molecular consequence: missense variant.
Genome position (GRCh38, 1-based): chr17:10,545,382, A>C on the plus strand (T>G on the coding strand, the complement: MYH2 is on the minus strand). VCF-style: chr17-10545382-A-C. GRCh37 (hg19) VCF-style: chr17-10448699-A-C.
Other names: c.469T>G, p.Ser157Ala (NM_001100112.2); short protein forms S157A.
Identifiers: ClinVar variation 2039898 (VCV002039898.4), dbSNP rs141907243, ClinGen allele CA8391635.
Genomic context (GRCh38, chr17:10,545,382, plus strand): 5'-TTGCAAAGCATTCGGCTCACTCACCAGTCAGCATGAACTGATAGGCGTTGTCAGAGATGG[A>C]GAAGATGTGGGGCGGGGCCTCCTGGCGCTTTTTGCCTCGGTAGGCTGTCACCACCTCGGG-3'
Protein context (NP_060004.3, residues 147-167): KRQEAPPHIF[Ser157Ala]ISDNAYQFML